The following is an entry in ClinVar:

ClinVar aggregate classification (germline): Uncertain significance (1 of 4 stars; one submission).

Conditions:
Familial cancer of breast. Also called: Hereditary breast cancer; hereditary breast carcinoma; BREAST CANCER, FAMILIAL. Identifiers: Orphanet 227535, MedGen C0346153, MONDO:0016419, OMIM 114480. Disease mechanism: loss of function.

Submission:

Labcorp Genetics (formerly Invitae), Labcorp
Classification: Uncertain significance for Familial cancer of breast. Last evaluated: 2022-02-28. Review status: criteria provided, single submitter. Criteria: Invitae Variant Classification Sherloc (09022015). Collection method: clinical testing. Allele origin: germline.
Comment: Algorithms developed to predict the effect of missense changes on protein structure and function output the following: SIFT: "Tolerated"; PolyPhen-2: "Benign"; Align-GVGD: "Class C0". The threonine amino acid residue is found in multiple mammalian species, which suggests that this missense change does not adversely affect protein function. This variant has not been reported in the literature in individuals affected with BARD1-related conditions. This variant is not present in population databases (gnomAD no frequency). This sequence change replaces lysine, which is basic and polar, with threonine, which is neutral and polar, at codon 312 of the BARD1 protein (p.Lys312Thr). In summary, the available evidence is currently insufficient to determine the role of this variant in disease. Therefore, it has been classified as a Variant of Uncertain Significance.

NM_000465.4(BARD1):c.935A>C (p.Lys312Thr)

Gene: BARD1 (BRCA1 associated RING domain 1; minus strand). Cytogenetic location: 2q35.
Variant type: single nucleotide variant.
Coding change: c.935A>C on transcript NM_000465.4 (MANE Select); coding-DNA position 935, A replaced by C.
Protein change: p.Lys312Thr; replaces lysine 312 with threonine.
Molecular consequence: missense variant. On other transcripts: non-coding transcript variant (2), intron variant (3).
Genome position (GRCh38, 1-based): chr2:214,780,939, T>G on the plus strand (A>C on the coding strand, the complement: BARD1 is on the minus strand). VCF-style: chr2-214780939-T-G. GRCh37 (hg19) VCF-style: chr2-215645663-T-G.
Other names: c.878A>C, p.Lys293Thr (NM_001282543.2); c.159-28384A>C (NM_001282548.2); c.215+16122A>C (NM_001282545.2); c.364+11358A>C (NM_001282549.2); short protein forms K293T, K312T.
Identifiers: ClinVar variation 2104449 (VCV002104449.4), dbSNP rs2469506432, ClinGen allele CA350454955.